The following is an entry in ClinVar:

ClinVar aggregate classification (germline): Likely benign. Review status: criteria provided, multiple submitters, no conflicts (2 of 4 stars). 4 submissions from 4 submitters: Likely benign (3). 1 of the submissions does not count toward it. Last evaluated 2026-01-01.

Conditions:
ANK3-related disorder. Also called: ANK3-related condition.

Allele frequency attached by ClinVar (database versions not stated): gnomAD exomes 0.00002 and 0.00004; ExAC 0.00007; ESP Exome Variant Server 0.00008; 1000 Genomes Project 30x 0.00016; gnomAD 0.00019; 1000 Genomes Project 0.00020; TOPMed 0.00025.
gnomAD v4.1: 59 of 1,612,750 alleles (0.0037%); highest among the groups gnomAD compares: African/African-American, 0.071%; no homozygotes.

Submissions (4):

CeGaT Center for Human Genetics Tuebingen
Classification: Likely benign. Last evaluated: 2026-01-01. Review status: criteria provided, single submitter. Criteria: CeGaT Center For Human Genetics Tuebingen Variant Classification Criteria Version 2. Collection method: clinical testing. Allele origin: germline. Affected: yes. Observed: 1 variant allele.
Comment: ANK3: BP4, BP7

Labcorp Genetics (formerly Invitae), Labcorp
Classification: Likely benign. Last evaluated: 2025-11-28. Review status: criteria provided, single submitter. Criteria: Invitae Variant Classification Sherloc (09022015). Collection method: clinical testing. Allele origin: germline.

Blueprint Genetics
Classification: Likely benign. Last evaluated: 2024-10-04. Review status: criteria provided, single submitter. Criteria: ACMG Guidelines, 2015. Collection method: clinical testing. Allele origin: germline.

PreventionGenetics, part of Exact Sciences
Classification: Likely benign for ANK3-related condition. Last evaluated: 2024-02-13. Review status: no assertion criteria provided. Collection method: clinical testing. Allele origin: germline. Not counted in ClinVar's aggregate classification.
Comment: This variant is classified as likely benign based on ACMG/AMP sequence variant interpretation guidelines (Richards et al. 2015 PMID: 25741868, with internal and published modifications).

NM_020987.5(ANK3):c.3252T>C (p.Asn1084=)

Gene: ANK3 (ankyrin 3; minus strand). Cytogenetic location: 10q21.2.
Variant type: single nucleotide variant.
Coding change: c.3252T>C on transcript NM_020987.5 (MANE Select); coding-DNA position 3252, T replaced by C.
Protein change: p.Asn1084=; no amino-acid change (asparagine 1084 retained).
Molecular consequence: synonymous variant.
Genome position (GRCh38, 1-based): chr10:60,105,981, A>G on the plus strand (T>C on the coding strand, the complement: ANK3 is on the minus strand). VCF-style: chr10-60105981-A-G. GRCh37 (hg19) VCF-style: chr10-61865739-A-G.
Other names: c.654T>C, p.Asn218= (NM_001149.4); c.3234T>C, p.Asn1078= (NM_001204403.2); c.3255T>C, p.Asn1085= (NM_001204404.2); c.3252T>C, p.Asn1084= (NM_001320874.2).
Identifiers: ClinVar variation 745297 (VCV000745297.15), dbSNP rs141421688, ClinGen allele CA5512522.